The following is an entry in ClinVar:

ClinVar aggregate classification (germline): Uncertain significance (1 of 4 stars; one submission).

Conditions:
Multiple acyl-CoA dehydrogenase deficiency (MADD). Also called: ETHYLMALONIC-ADIPICACIDURIA; GA II; Glutaric Acidemia type 2; Glutaric aciduria, type 2; Glutaric acidemia type II; GA 2. Identifiers: Orphanet 26791, MedGen C0268596, MONDO:0009282, OMIM 231680.

Allele frequency attached by ClinVar (database versions not stated): ExAC 0.00001.

Submission:

Labcorp Genetics (formerly Invitae), Labcorp
Classification: Uncertain significance for Multiple acyl-CoA dehydrogenase deficiency. Last evaluated: 2022-11-01. Review status: criteria provided, single submitter. Criteria: Invitae Variant Classification Sherloc (09022015). Collection method: clinical testing. Allele origin: germline.
Comment: In summary, the available evidence is currently insufficient to determine the role of this variant in disease. Therefore, it has been classified as a Variant of Uncertain Significance. Advanced modeling of protein sequence and biophysical properties (such as structural, functional, and spatial information, amino acid conservation, physicochemical variation, residue mobility, and thermodynamic stability) performed at Invitae indicates that this missense variant is expected to disrupt ETFDH protein function. This variant has not been reported in the literature in individuals affected with ETFDH-related conditions. This variant is present in population databases (rs758543098, gnomAD 0.0009%). This sequence change replaces alanine, which is neutral and non-polar, with threonine, which is neutral and polar, at codon 79 of the ETFDH protein (p.Ala79Thr).

NM_004453.4(ETFDH):c.235G>A (p.Ala79Thr)

Gene: ETFDH (electron transfer flavoprotein dehydrogenase; plus strand). Cytogenetic location: 4q32.1.
Variant type: single nucleotide variant.
Coding change: c.235G>A on transcript NM_004453.4 (MANE Select); coding-DNA position 235, G replaced by A.
Protein change: p.Ala79Thr; replaces alanine 79 with threonine.
Molecular consequence: missense variant.
Genome position (GRCh38, 1-based): chr4:158,682,254, G>A. VCF-style: chr4-158682254-G-A. GRCh37 (hg19) VCF-style: chr4-159603406-G-A.
Other names: c.94G>A, p.Ala32Thr (NM_001281737.2); c.52G>A, p.Ala18Thr (NM_001281738.1); short protein forms A18T, A79T, A32T.
Identifiers: ClinVar variation 2918386 (VCV002918386.3), dbSNP rs758543098, ClinGen allele CA3122306.
Genomic context (GRCh38, chr4:158,682,254, plus strand): 5'-GGAGTGAACATGGAAAGGTTTGCAGAAGAAGCAGATGTTGTAATAGTTGGTGCAGGCCCT[G>A]CAGGGCTCTCTGCAGCTGTTCGTCTAAAACAGTTGGCTGTGGCACATGAAAAGGACATCC-3'
Protein context (NP_004444.2, residues 69-89): ADVVIVGAGP[Ala79Thr]GLSAAVRLKQ